The following is an entry in ClinVar:

ClinVar aggregate classification (germline): Conflicting classifications of pathogenicity. Review status: criteria provided, conflicting classifications (1 of 4 stars). 5 submissions from 5 submitters: Uncertain significance (1); Likely benign (3). 1 of the submissions does not count toward it. Last evaluated 2026-08-01.

Conditions:
HOXA13-related disorder. Also called: HOXA13-related condition.
Hand-foot-genital syndrome (HFG). Also called: Hand-Foot-Uterus Syndrome; HFU syndrome; HFG syndrome. Identifiers: Orphanet 2438, MedGen C1841679, MONDO:0007698, OMIM 140000.
Guttmacher syndrome. Identifiers: Orphanet 2957, MedGen C1867801, MONDO:0008301, OMIM 176305.

Allele frequency attached by ClinVar (database versions not stated): gnomAD exomes 0.00093.

Submissions (5):

CeGaT Center for Human Genetics Tuebingen
Classification: Likely benign. Last evaluated: 2026-08-01. Review status: criteria provided, single submitter. Criteria: CeGaT Center For Human Genetics Tuebingen Variant Classification Criteria Version 2. Collection method: clinical testing. Allele origin: germline. Affected: yes. Observed: 2 variant alleles.
Comment: HOXA13: PP3, BS1

Labcorp Genetics (formerly Invitae), Labcorp
Classification: Likely benign. Last evaluated: 2025-12-19. Review status: criteria provided, single submitter. Criteria: Invitae Variant Classification Sherloc (09022015). Collection method: clinical testing. Allele origin: germline.

Blueprint Genetics
Classification: Likely benign. Last evaluated: 2024-11-22. Review status: criteria provided, single submitter. Criteria: ACMG Guidelines, 2015. Collection method: clinical testing. Allele origin: germline.

Department of Pathology and Laboratory Medicine, Sinai Health System
Classification: Uncertain significance for Hand-foot-genital syndrome; Guttmacher syndrome. Last evaluated: 2020-08-10. Review status: criteria provided, single submitter. Criteria: ACMG Guidelines, 2015. Collection method: research. Allele origin: germline.

PreventionGenetics, part of Exact Sciences
Classification: Likely benign for HOXA13-related condition. Last evaluated: 2021-12-21. Review status: no assertion criteria provided. Collection method: clinical testing. Allele origin: germline. Not counted in ClinVar's aggregate classification.
Comment: This variant is classified as likely benign based on ACMG/AMP sequence variant interpretation guidelines (Richards et al. 2015 PMID: 25741868, with internal and published modifications).

NM_000522.5(HOXA13):c.175C>G (p.Pro59Ala)

Genes: HOXA13 (homeobox A13; minus strand), LOC107126288 (NUP98-HOXA13 recombination region; plus strand). Cytogenetic location: 7p15.2.
Variant type: single nucleotide variant.
Coding change: c.175C>G on transcript NM_000522.5 (MANE Select); coding-DNA position 175, C replaced by G.
Protein change: p.Pro59Ala; replaces proline 59 with alanine.
Molecular consequence: missense variant.
Genome position (GRCh38, 1-based): chr7:27,199,903, G>C on the plus strand (C>G on the coding strand, the complement: HOXA13 is on the minus strand). VCF-style: chr7-27199903-G-C. GRCh37 (hg19) VCF-style: chr7-27239522-G-C.
Other names: c.175C>G (NM_000522.4); short protein forms P59A.
Identifiers: ClinVar variation 1672190 (VCV001672190.22), dbSNP rs747262113, ClinGen allele CA4198695.